The following is an entry in ClinVar:

NM_015046.7(SETX):c.502C>T (p.Arg168Trp)

Gene: SETX (senataxin; minus strand). Cytogenetic location: 9q34.13.
Variant type: single nucleotide variant.
Coding change: c.502C>T on transcript NM_015046.7 (MANE Select); coding-DNA position 502, C replaced by T.
Protein change: p.Arg168Trp; replaces arginine 168 with tryptophan.
Molecular consequence: missense variant.
Genome position (GRCh38, 1-based): chr9:132,336,512, G>A on the plus strand (C>T on the coding strand, the complement: SETX is on the minus strand). VCF-style: chr9-132336512-G-A. GRCh37 (hg19) VCF-style: chr9-135211899-G-A.
Other names: c.502C>T, p.Arg168Trp (NM_001351527.2, NM_001351528.2); short protein forms R168W.
Identifiers: ClinVar variation 2925456 (VCV002925456.4), dbSNP rs772684663, ClinGen allele CA5298013.
Genomic context (GRCh38, chr9:132,336,512, plus strand): 5'-CATAATAATCATCTCTGTCCACTTTCCCCAAGTTTCTTGCAGTCAAGATAGCCCAACGCC[G>A]AACCTAAATGCAGAATATATTTATTACTTAATTCAATAAACAATGGTCTACAAACAGCAA-3'
Protein context (NP_055861.3, residues 158-178): LFLVHPNEMV[Arg168Trp]RWAILTARNL

ClinVar aggregate classification (germline): Conflicting classifications of pathogenicity. Review status: criteria provided, conflicting classifications (1 of 4 stars). 2 submissions from 2 submitters: Uncertain significance (1); Likely benign (1). Last evaluated 2026-08-25.

Conditions:
SETX-related disorder. Also called: SETX-related condition; SETX-related disorders. Identifiers: MedGen CN239403.
Amyotrophic lateral sclerosis type 4 (ALS4). Also called: NEURONOPATHY, DISTAL HEREDITARY MOTOR, WITH PYRAMIDAL FEATURES; AMYOTROPHIC LATERAL SCLEROSIS 4, JUVENILE. Identifiers: Orphanet 357043, MedGen C1865409, MONDO:0011223, OMIM 602433.
Spinocerebellar ataxia, autosomal recessive, with axonal neuropathy 2 (SCAN2). Also called: Ataxia-ocular apraxia-2; Ataxia with Oculomotor Apraxia; Ataxia with Oculomotor Apraxia Type 2; ATAXIA-OCULOMOTOR APRAXIA 2. Identifiers: Orphanet 64753, MedGen C1853761, MONDO:0018996, OMIM 606002.

Allele frequency attached by ClinVar (database versions not stated): ExAC 0.00001; gnomAD exomes 0.00001.
gnomAD v4.1: 16 of 1,603,998 alleles (0.001%); highest among the groups gnomAD compares: Non-Finnish European, 0.0014%; no homozygotes.

Submissions (2):

PreventionGenetics, part of Exact Sciences
Classification: Uncertain significance for SETX-related condition. Last evaluated: 2026-08-25. Review status: criteria provided, single submitter. Criteria: ACMG Guidelines, 2015. Collection method: clinical testing. Allele origin: germline.
Comment: The SETX c.502C>T variant is predicted to result in the amino acid substitution p.Arg168Trp. This variant has been reported with a SETX deletion of exons 11 to 15 in an individual with ataxia-ocular apraxia (Szpisjak et al. 2016. PubMed ID: 26811093) and with a frameshift variant in another patient with ataxia (Supp. Table 3, Ganapathy et al. 2019. PubMed ID: 31069529). An alternate missense change at the same amino acid position (p.Arg168Gln) has been reported in the heterozygous state along with a second variant in SETX in an individual with amyotrophic lateral sclerosis (Cady et al. 2015. PubMed ID: 25382069, Tables 2 and 4). This variant is reported in 0.0029% of alleles in individuals of Latino descent in gnomAD. At this time, the clinical significance of this variant is uncertain due to the absence of conclusive functional and genetic evidence.

Labcorp Genetics (formerly Invitae), Labcorp
Classification: Likely benign for Amyotrophic lateral sclerosis type 4; Spinocerebellar ataxia, autosomal recessive, with axonal neuropathy 2. Last evaluated: 2023-03-13. Review status: criteria provided, single submitter. Criteria: Invitae Variant Classification Sherloc (09022015). Collection method: clinical testing. Allele origin: germline.